The following is an entry in ClinVar:

ClinVar aggregate classification (germline): Uncertain significance (1 of 4 stars; one submission).

Conditions:
Intellectual developmental disorder, X-linked 100. Also called: Intellectual disability, X-linked 100. Identifiers: MedGen C3890167, MONDO:0010488, OMIM 300923.

Submission:

HudsonAlpha Institute for Biotechnology
Classification: Uncertain significance for Intellectual developmental disorder, X-linked 100. Last evaluated: 2021-12-14. Review status: criteria provided, single submitter. Criteria: ACMG Guidelines, 2015. Collection method: research. Allele origin: maternal. Observed: 1 variant allele. Study: HudsonAlpha-AGHI-WGS.
Comment: ACMG codes: PM2

NM_012310.5(KIF4A):c.1015A>G (p.Lys339Glu)

Gene: KIF4A (kinesin family member 4A; plus strand). Cytogenetic location: Xq13.1.
Variant type: single nucleotide variant.
Coding change: c.1015A>G on transcript NM_012310.5 (MANE Select); coding-DNA position 1015, A replaced by G.
Protein change: p.Lys339Glu; replaces lysine 339 with glutamic acid.
Molecular consequence: missense variant.
Genome position (GRCh38, 1-based): chrX:70,330,276, A>G. VCF-style: chrX-70330276-A-G. GRCh37 (hg19) VCF-style: chrX-69550126-A-G.
Other names: short protein forms K339E.
Identifiers: ClinVar variation 1684508 (VCV001684508.1), dbSNP rs2147691521, ClinGen allele CA413463159.